The following is an entry in ClinVar:

NM_017780.4(CHD7):c.3990-1G>C

Gene: CHD7 (chromodomain helicase DNA binding protein 7; plus strand). Cytogenetic location: 8q12.2.
Variant type: single nucleotide variant.
Coding change: c.3990-1G>C on transcript NM_017780.4 (MANE Select); the canonical splice acceptor site of the intron before coding-DNA position 3990, G replaced by C.
Molecular consequence: splice acceptor variant. On other transcripts: intron variant (1).
Genome position (GRCh38, 1-based): chr8:60,836,816, G>C. VCF-style: chr8-60836816-G-C. GRCh37 (hg19) VCF-style: chr8-61749375-G-C.
Other names: c.1717-25413G>C (NM_001316690.1).
Identifiers: ClinVar variation 3254623 (VCV003254623.1), dbSNP rs2487902736.

ClinVar aggregate classification (germline): Pathogenic (1 of 4 stars; one submission).

Conditions:
CHARGE syndrome (CHARGE). Also called: Hittner Hirsch Kreh syndrome; CHARGE ASSOCIATION--COLOBOMA, HEART ANOMALY, CHOANAL ATRESIA, RETARDATION, GENITAL AND EAR ANOMALIES; Coloboma, heart anomaly, choanal atresia, retardation, genital and ear anomalies; CHARGE association; Hall-Hittner syndrome. Identifiers: Orphanet 138, MedGen C0265354, MONDO:0008965.

Submission:

Victorian Clinical Genetics Services, Murdoch Childrens Research Institute
Classification: Pathogenic for CHD7-related CHARGE syndrome. Last evaluated: 2022-02-02. Review status: criteria provided, single submitter. Criteria: ACMG Guidelines, 2015. Collection method: clinical testing. Allele origin: germline. Inheritance: Autosomal dominant inheritance. Affected: yes.
Comment: Based on the classification scheme VCGS_Germline_v1.3.4, this variant is classified as Pathogenic. Following criteria are met: 0102 - Loss of function is a known mechanism of disease in this gene and is associated with CHARGE syndrome (MIM#214800) and hypogonadotropic hypogonadism 5 with or without anosmia (MIM#612370). (I) 0107 - This gene is associated with autosomal dominant disease. (I) 0211 - Canonical splice site variant without proven consequence on splicing (no functional evidence available). (SP) 0251 - This variant is heterozygous. (I) 0301 - Variant is absent from gnomAD (both v2 and v3). (SP) 0505 - Abnormal splicing is predicted by in silico tools and affected nucleotide is highly conserved. (SP) 0702 - Other splice site variants comparable to the one identified in this case have strong previous evidence for pathogenicity. c.3990-2A>G, c.3990-1G>A and c.3990-1G>T have been identified individuals with CHARGE syndrome (MIM#214800), with two these cases proven to be de novo events (PMID: 21158681, 22033296, 30847515). (SP) 0803 - This variant has limited previous evidence of pathogenicity in an unrelated individual. It has been identified in a single individual with CHARGE syndrome (MIM#214800) (PMID: 24368733). (SP) 0905 - No published segregation evidence has been identified for this variant. (I) 1007 - No published functional evidence has been identified for this variant. (I) 1208 - Inheritance information for this variant is not currently available in this individual. (I) Legend: (SP) - Supporting pathogenic, (I) - Information, (SB) - Supporting benign

Literature cited by the submitters: PubMed 21158681; PubMed 22033296; PubMed 24368733; PubMed 30847515.